The following is an entry in ClinVar:

ClinVar aggregate classification (germline): Uncertain significance. Review status: criteria provided, multiple submitters, no conflicts (2 of 4 stars). 2 submissions from 2 submitters: Uncertain significance (2). Last evaluated 2023-05-30.

Conditions:
Inborn genetic diseases. Identifiers: MedGen C0950123, MeSH D030342.

gnomAD v4.1: 1 of 1,613,088 alleles (0.000062%); highest among the groups gnomAD compares: Non-Finnish European, 0.000085%; no homozygotes.

Submissions (2):

Ambry Genetics
Classification: Uncertain significance for Inborn genetic diseases. Last evaluated: 2023-05-30. Review status: criteria provided, single submitter. Criteria: Ambry Variant Classification Scheme 2023. Collection method: clinical testing. Allele origin: germline.

Labcorp Genetics (formerly Invitae), Labcorp
Classification: Uncertain significance. Last evaluated: 2021-08-31. Review status: criteria provided, single submitter. Criteria: Invitae Variant Classification Sherloc (09022015). Collection method: clinical testing. Allele origin: germline.
Comment: This sequence change replaces leucine with proline at codon 640 of the SKIV2L protein (p.Leu640Pro). The leucine residue is highly conserved and there is a moderate physicochemical difference between leucine and proline. This variant is not present in population databases (ExAC no frequency). This variant has not been reported in the literature in individuals affected with SKIV2L-related conditions. Algorithms developed to predict the effect of missense changes on protein structure and function are either unavailable or do not agree on the potential impact of this missense change (SIFT: "Deleterious"; PolyPhen-2: "Probably Damaging"; Align-GVGD: "Class C0"). In summary, the available evidence is currently insufficient to determine the role of this variant in disease. Therefore, it has been classified as a Variant of Uncertain Significance.

NM_006929.5(SKIC2):c.1919T>C (p.Leu640Pro)

Gene: SKIC2 (SKI2 subunit of superkiller complex; plus strand). Cytogenetic location: 6p21.33.
Variant type: single nucleotide variant.
Coding change: c.1919T>C on transcript NM_006929.5 (MANE Select); coding-DNA position 1919, T replaced by C.
Protein change: p.Leu640Pro; replaces leucine 640 with proline.
Molecular consequence: missense variant.
Genome position (GRCh38, 1-based): chr6:31,964,290, T>C. VCF-style: chr6-31964290-T-C. GRCh37 (hg19) VCF-style: chr6-31932067-T-C.
Other names: c.1919T>C (NM_006929.4); short protein forms L640P.
Identifiers: ClinVar variation 1478663 (VCV001478663.6), dbSNP rs2151810751, ClinGen allele CA363464754.